The following is an entry in ClinVar:

ClinVar aggregate classification (germline): Uncertain significance (1 of 4 stars; one submission).

Conditions:
Hereditary cancer-predisposing syndrome. Also called: Hereditary Cancer Syndrome; Neoplastic Syndromes, Hereditary; Tumor predisposition; Hereditary neoplastic syndrome. Identifiers: Orphanet 140162, MedGen C0027672, MeSH D009386, MONDO:0015356.

Submission:

Ambry Genetics
Classification: Uncertain significance for Hereditary cancer-predisposing syndrome. Last evaluated: 2019-10-18. Review status: criteria provided, single submitter. Criteria: Ambry Variant Classification Scheme 2023. Collection method: clinical testing. Allele origin: germline.
Comment: The p.L1683P variant (also known as c.5048T>C), located in coding exon 22 of the DICER1 gene, results from a T to C substitution at nucleotide position 5048. The leucine at codon 1683 is replaced by proline, an amino acid with similar properties. This amino acid position is highly conserved in available vertebrate species. In addition, this alteration is predicted to be deleterious by in silico analysis. Since supporting evidence is limited at this time, the clinical significance of this alteration remains unclear.

NM_177438.3(DICER1):c.5048T>C (p.Leu1683Pro)

Gene: DICER1 (dicer 1, ribonuclease III; minus strand). Cytogenetic location: 14q32.13.
Variant type: single nucleotide variant.
Coding change: c.5048T>C on transcript NM_177438.3 (MANE Select); coding-DNA position 5048, T replaced by C.
Protein change: p.Leu1683Pro; replaces leucine 1683 with proline.
Molecular consequence: missense variant. On other transcripts: non-coding transcript variant (6).
Genome position (GRCh38, 1-based): chr14:95,095,872, A>G on the plus strand (T>C on the coding strand, the complement: DICER1 is on the minus strand). VCF-style: chr14-95095872-A-G. GRCh37 (hg19) VCF-style: chr14-95562209-A-G.
Other names: c.5048T>C, p.Leu1683Pro (NM_001195573.1, NM_001271282.3, NM_001291628.2 and 13 more transcripts); c.4766T>C, p.Leu1589Pro (NM_001395686.1); c.4643T>C, p.Leu1548Pro (NM_001395687.1, NM_001395688.1, NM_001395689.1 and 2 more transcripts); c.4481T>C, p.Leu1494Pro (NM_001395691.1); c.3365T>C, p.Leu1122Pro (NM_001395697.1); short protein forms L1548P, L1683P, L1122P, L1494P, L1589P.
Identifiers: ClinVar variation 1744987 (VCV001744987.2), dbSNP rs2542476788, ClinGen allele CA390866014.